The following is an entry in ClinVar:

NM_032273.4(TMEM126A):c.314G>A (p.Arg105Gln)

Gene: TMEM126A (transmembrane protein 126A; plus strand). Cytogenetic location: 11q14.1.
Variant type: single nucleotide variant.
Coding change: c.314G>A on transcript NM_032273.4 (MANE Select); coding-DNA position 314, G replaced by A.
Protein change: p.Arg105Gln; replaces arginine 105 with glutamine.
Molecular consequence: missense variant.
Genome position (GRCh38, 1-based): chr11:85,655,627, G>A. VCF-style: chr11-85655627-G-A. GRCh37 (hg19) VCF-style: chr11-85366671-G-A.
Other names: c.104G>A, p.Arg35Gln (NM_001244735.2); short protein forms R105Q, R35Q.
Identifiers: ClinVar variation 197361 (VCV000197361.64), dbSNP rs146573578, ClinGen allele CA245454.
Genomic context (GRCh38, chr11:85,655,627, plus strand): 5'-CATTTCTATGACTAATTTATTTCCTAGGTGATTTGGATTGTGAAACCTGTACCATAACAC[G>A]GAGTGGACTGACTGGTCTTGTTATTGGTGGTCTATACCCTGTTTTCTTGGCTATACCTGT-3'
Protein context (NP_115649.1, residues 95-115): DLDCETCTIT[Arg105Gln]SGLTGLVIGG

ClinVar aggregate classification (germline): Conflicting classifications of pathogenicity. Review status: criteria provided, conflicting classifications (1 of 4 stars). 8 submissions from 8 submitters: Uncertain significance (1); Likely benign (5). 2 of the submissions do not count toward it. Last evaluated 2026-01-28.

Conditions:
Autosomal recessive optic atrophy, OPA7 type. Also called: OPTIC ATROPHY 7 WITH OR WITHOUT AUDITORY NEUROPATHY. Identifiers: Orphanet 227976, Orphanet 98676, MedGen C2751812, MONDO:0013069, OMIM 612989.

Allele frequency attached by ClinVar (database versions not stated): TOPMed 0.00242; gnomAD 0.00247 and 0.00262; 1000 Genomes Project 0.00300; ESP Exome Variant Server 0.00300; gnomAD exomes 0.00311 and 0.00448; ExAC 0.00312; 1000 Genomes Project 30x 0.00344.
gnomAD v4.1: 6,937 of 1,613,544 alleles (0.43%); highest among the groups gnomAD compares: South Asian, 0.51%; 21 homozygotes.

Submissions (8):

Labcorp Genetics (formerly Invitae), Labcorp
Classification: Likely benign. Last evaluated: 2026-01-28. Review status: criteria provided, single submitter. Criteria: Invitae Variant Classification Sherloc (09022015). Collection method: clinical testing. Allele origin: germline.

CeGaT Center for Human Genetics Tuebingen
Classification: Likely benign. Last evaluated: 2025-08-01. Review status: criteria provided, single submitter. Criteria: CeGaT Center For Human Genetics Tuebingen Variant Classification Criteria Version 2. Collection method: clinical testing. Allele origin: germline. Affected: yes. Observed: 6 variant alleles.
Comment: TMEM126A: BP4, BS2

Blueprint Genetics
Classification: Likely benign. Last evaluated: 2024-11-25. Review status: criteria provided, single submitter. Criteria: ACMG Guidelines, 2015. Collection method: clinical testing. Allele origin: germline.

GeneDx
Classification: Likely benign. Last evaluated: 2021-05-12. Review status: criteria provided, single submitter. Criteria: GeneDx Variant Classification Process June 2021. Collection method: clinical testing. Allele origin: germline. Affected: yes.

Eurofins Ntd Llc (ga)
Classification: Uncertain significance. Last evaluated: 2018-03-02. Review status: criteria provided, single submitter. Criteria: EGL ClinVar v180209 classification definitions. Collection method: clinical testing. Allele origin: germline. Observed: 2 variant alleles, 2 heterozygotes.

Illumina Laboratory Services, Illumina
Classification: Likely benign for Autosomal recessive optic atrophy, OPA7 type. Last evaluated: 2018-01-13. Review status: criteria provided, single submitter. Criteria: ICSL Variant Classification Criteria 13 December 2019. Collection method: clinical testing. Allele origin: germline.
Comment: This variant was observed in the ICSL laboratory as part of a predisposition screen in an ostensibly healthy population. It had not been previously curated by ICSL or reported in the Human Gene Mutation Database (HGMD: prior to June 1st, 2018), and was therefore a candidate for classification through an automated scoring system. Utilizing variant allele frequency, disease prevalence and penetrance estimates, and inheritance mode, an automated score was calculated to assess if this variant is too frequent to cause the disease. Based on the score and internal cut-off values, a variant classified as likely benign is not then subjected to further curation. The score for this variant resulted in a classification of likely benign for this disease.

Mayo Clinic Laboratories, Mayo Clinic
Classification: Uncertain significance. Last evaluated: 2017-11-08. Review status: no assertion criteria provided. Collection method: clinical testing. Allele origin: unknown. Not counted in ClinVar's aggregate classification.

Department of Pathology and Laboratory Medicine, Sinai Health System
Classification: Uncertain significance. Review status: no assertion criteria provided. Collection method: clinical testing. Allele origin: unknown. Affected: yes. Study: The Canadian Open Genetics Repository (COGR). Not counted in ClinVar's aggregate classification.
Comment: The TMEM126A p.Arg35Gln variant was not identified in the literature nor was it identified in Cosmic. The variant was identified in dbSNP (ID: rs146573578), ClinVar (classified as a VUS by EGL Genetics, Praxis fuer Humangenetik Tuebingen and Mayo Clinic Genetic Testing Laboratories and as likely benign by GeneDx) and LOVd 3.0. The variant was identified in control databases in 855 of 282764 chromosomes (2 homozygous) at a frequency of 0.003024 increasing the likelihood this could be a low frequency benign variant (Genome Aggregation Database Feb 27, 2017). The variant was observed in the following populations: South Asian in 155 of 30612 chromosomes (freq: 0.005063), European (non-Finnish) in 520 of 129096 chromosomes (freq: 0.004028), Other in 23 of 7226 chromosomes (freq: 0.003183), Latino in 85 of 35430 chromosomes (freq: 0.002399), European (Finnish) in 36 of 25114 chromosomes (freq: 0.001433), African in 23 of 24966 chromosomes (freq: 0.000921), Ashkenazi Jewish in 5 of 10366 chromosomes (freq: 0.000482), and East Asian in 8 of 19954 chromosomes (freq: 0.000401). The p.Arg35 residue is conserved across mammals and other organisms, and four out of five computational analyses (PolyPhen-2, SIFT, AlignGVGD, MutationTaster) suggest that the variant may impact the protein; however, this information is not predictive enough to assume pathogenicity. The variant occurs outside of the splicing consensus sequence and in silico or computational prediction software programs (SpliceSiteFinder, MaxEntScan, NNSPLICE, GeneSplicer) do not predict a difference in splicing. In summary, based on the above information the clinical significance of this variant cannot be determined with certainty at this time. This variant is classified as a variant of uncertain significance.